The following is an entry in ClinVar:

NM_001329943.3(KIAA0586):c.815T>G (p.Phe272Cys)

Gene: KIAA0586 (KIAA0586; plus strand). Cytogenetic location: 14q23.1.
Variant type: single nucleotide variant.
Coding change: c.815T>G on transcript NM_001329943.3 (MANE Select); coding-DNA position 815, T replaced by G.
Protein change: p.Phe272Cys; replaces phenylalanine 272 with cysteine.
Molecular consequence: missense variant.
Genome position (GRCh38, 1-based): chr14:58,448,347, T>G. VCF-style: chr14-58448347-T-G. GRCh37 (hg19) VCF-style: chr14-58915065-T-G.
Other names: c.974T>G, p.Phe325Cys (NM_001244189.2); c.770T>G, p.Phe257Cys (NM_001244190.2); c.560T>G, p.Phe187Cys (NM_001244191.2, NM_001329945.2, NM_001364700.1 and 1 more transcripts); c.683T>G, p.Phe228Cys (NM_001244192.2); c.395T>G, p.Phe132Cys (NM_001244193.2); c.815T>G, p.Phe272Cys (NM_001329944.2, NM_001329946.2, NM_001329947.2 and 1 more transcripts); short protein forms F257C, F272C, F132C, F187C, F228C, F325C.
Identifiers: ClinVar variation 1473257 (VCV001473257.6), dbSNP rs2039078597, ClinGen allele CA389863757.

ClinVar aggregate classification (germline): Uncertain significance (1 of 4 stars; one submission).

Conditions:
Joubert syndrome 23 (JBTS23). Identifiers: Orphanet 475, MedGen C4084822, MONDO:0014664, OMIM 616490.
Short-rib thoracic dysplasia 14 with polydactyly (SRTD14). Identifiers: Orphanet 397715, MedGen C4225286, MONDO:0014688, OMIM 616546.

Allele frequency attached by ClinVar (database versions not stated): gnomAD 0.00001; gnomAD exomes 0.00004.
gnomAD v4.1: 24 of 1,561,576 alleles (0.0015%); highest among the groups gnomAD compares: East Asian, 0.054%; 1 homozygote.

Submission:

Labcorp Genetics (formerly Invitae), Labcorp
Classification: Uncertain significance for Joubert syndrome 23; Short-rib thoracic dysplasia 14 with polydactyly. Last evaluated: 2022-02-09. Review status: criteria provided, single submitter. Criteria: Invitae Variant Classification Sherloc (09022015). Collection method: clinical testing. Allele origin: germline.
Comment: This sequence change replaces phenylalanine, which is neutral and non-polar, with cysteine, which is neutral and slightly polar, at codon 325 of the KIAA0586 protein (p.Phe325Cys). This variant is not present in population databases (gnomAD no frequency). This variant has not been reported in the literature in individuals affected with KIAA0586-related conditions. Algorithms developed to predict the effect of missense changes on protein structure and function are either unavailable or do not agree on the potential impact of this missense change (SIFT: "Deleterious"; PolyPhen-2: "Probably Damaging"; Align-GVGD: "Class C0"). In summary, the available evidence is currently insufficient to determine the role of this variant in disease. Therefore, it has been classified as a Variant of Uncertain Significance.